The following is an entry in ClinVar:

ClinVar aggregate classification (germline): Uncertain significance (1 of 4 stars; one submission).

gnomAD v4.1: 1 of 1,610,040 alleles (0.000062%); no homozygotes.

Submission:

GeneDx
Classification: Uncertain significance. Last evaluated: 2022-08-11. Review status: criteria provided, single submitter. Criteria: GeneDx Variant Classification Process June 2021. Collection method: clinical testing. Allele origin: germline. Affected: yes.
Comment: Not observed at significant frequency in large population cohorts (gnomAD); In silico analysis supports that this missense variant has a deleterious effect on protein structure/function; Has not been previously published as pathogenic or benign to our knowledge

NM_012309.5(SHANK2):c.3167A>G (p.Asp1056Gly)

Gene: SHANK2 (SH3 and multiple ankyrin repeat domains 2; minus strand). Cytogenetic location: 11q13.3.
Variant type: single nucleotide variant.
Coding change: c.3167A>G on transcript NM_012309.5 (MANE Select); coding-DNA position 3167, A replaced by G.
Protein change: p.Asp1056Gly; replaces aspartic acid 1056 with glycine.
Molecular consequence: missense variant.
Genome position (GRCh38, 1-based): chr11:70,487,126, T>C on the plus strand (A>G on the coding strand, the complement: SHANK2 is on the minus strand). VCF-style: chr11-70487126-T-C. GRCh37 (hg19) VCF-style: chr11-70333231-T-C.
Other names: c.2030A>G, p.Asp677Gly (NM_001379226.1); c.1403A>G, p.Asp468Gly (NM_133266.5); short protein forms D1056G, D468G, D677G.
Identifiers: ClinVar variation 3342592 (VCV003342592.1).